The following is an entry in ClinVar:

NM_001321759.2(CDIN1):c.45A>C (p.Leu15=)

Gene: CDIN1 (CDAN1 interacting nuclease 1; plus strand). Cytogenetic location: 15q14.
Variant type: single nucleotide variant.
Coding change: c.45A>C on transcript NM_001321759.2 (MANE Select); coding-DNA position 45, A replaced by C.
Protein change: p.Leu15=; no amino-acid change (leucine 15 retained).
Molecular consequence: synonymous variant. On other transcripts: 5 prime UTR variant (2).
Genome position (GRCh38, 1-based): chr15:36,579,905, A>C. VCF-style: chr15-36579905-A-C. GRCh37 (hg19) VCF-style: chr15-36872106-A-C.
Other names: c.45A>C, p.Leu15= (NM_001130010.3, NM_001290233.2, NM_001321758.2 and 2 more transcripts); c.-204A>C (NM_001321756.2); c.-359A>C (NM_001321757.2).
Identifiers: ClinVar variation 743016 (VCV000743016.8), dbSNP rs201451061, ClinGen allele CA7468700.

ClinVar aggregate classification (germline): Likely benign. Review status: criteria provided, single submitter (1 of 4 stars). 2 submissions from 2 submitters: Likely benign (1). 1 of the submissions does not count toward it. Last evaluated 2025-09-17.

Conditions:
CDIN1-related disorder. Also called: CDIN1-related condition.

Allele frequency attached by ClinVar (database versions not stated): gnomAD exomes 0.00005 and 0.00006; ESP Exome Variant Server 0.00010; gnomAD 0.00003 and 0.00004; ExAC 0.00004; TOPMed 0.00004.
gnomAD v4.1: 82 of 1,613,934 alleles (0.0051%); highest among the groups gnomAD compares: Middle Eastern, 0.12%; 1 homozygote.

Submissions (2):

Labcorp Genetics (formerly Invitae), Labcorp
Classification: Likely benign. Last evaluated: 2025-09-17. Review status: criteria provided, single submitter. Criteria: Invitae Variant Classification Sherloc (09022015). Collection method: clinical testing. Allele origin: germline.

PreventionGenetics, part of Exact Sciences
Classification: Likely benign for CDIN1-related condition. Last evaluated: 2019-02-19. Review status: no assertion criteria provided. Collection method: clinical testing. Allele origin: germline. Not counted in ClinVar's aggregate classification.
Comment: This variant is classified as likely benign based on ACMG/AMP sequence variant interpretation guidelines (Richards et al. 2015 PMID: 25741868, with internal and published modifications).